The following is an entry in ClinVar:

ClinVar aggregate classification (germline): Likely pathogenic (1 of 4 stars; one submission).

Conditions:
Pyruvate dehydrogenase E1-alpha deficiency (PDHAD). Also called: Ataxia, intermittent, with pyruvate dehydrogenase, or decarboxylase, deficiency; ATAXIA, INTERMITTENT, WITH PYRUVATE DEHYDROGENASE DEFICIENCY; ATAXIA WITH LACTIC ACIDOSIS I; ATAXIA, INTERMITTENT, WITH ABNORMAL PYRUVATE METABOLISM. Identifiers: Orphanet 79243, MedGen C1839413, MONDO:0010717, OMIM 312170.

Submission:

Labcorp Genetics (formerly Invitae), Labcorp
Classification: Likely pathogenic for Pyruvate dehydrogenase E1-alpha deficiency. Last evaluated: 2023-05-13. Review status: criteria provided, single submitter. Criteria: Invitae Variant Classification Sherloc (09022015). Collection method: clinical testing. Allele origin: germline.
Comment: In summary, the currently available evidence indicates that the variant is pathogenic, but additional data are needed to prove that conclusively. Therefore, this variant has been classified as Likely Pathogenic. Algorithms developed to predict the effect of sequence changes on RNA splicing suggest that this variant may disrupt the consensus splice site. Disruption of this splice site has been observed in individual(s) with pyruvate dehydrogenase complex deficiency (PMID: 33204598). This variant is not present in population databases (gnomAD no frequency). This sequence change affects a donor splice site in intron 9 of the PDHA1 gene. It is expected to disrupt RNA splicing. Variants that disrupt the donor or acceptor splice site typically lead to a loss of protein function (PMID: 16199547), and loss-of-function variants in PDHA1 are known to be pathogenic (PMID: 10679936, 21914562).

Literature cited by the submitters: PubMed 33204598; PubMed 16199547; PubMed 10679936; PubMed 21914562.

NM_000284.4(PDHA1):c.899+2T>C

Gene: PDHA1 (pyruvate dehydrogenase E1 subunit alpha 1; plus strand). Cytogenetic location: Xp22.12.
Variant type: single nucleotide variant.
Coding change: c.899+2T>C on transcript NM_000284.4 (MANE Select); the canonical splice donor site of the intron after coding-DNA position 899, T replaced by C.
Molecular consequence: splice donor variant.
Genome position (GRCh38, 1-based): chrX:19,357,721, T>C. VCF-style: chrX-19357721-T-C. GRCh37 (hg19) VCF-style: chrX-19375839-T-C.
Other names: c.1013+2T>C (NM_001173454.2); c.920+2T>C (NM_001173455.2); c.806+2T>C (NM_001173456.2).
Identifiers: ClinVar variation 2863937 (VCV002863937.3), dbSNP rs2063213491, ClinGen allele CA412395294.